The following is an entry in ClinVar:

ClinVar aggregate classification (germline): Uncertain significance (1 of 4 stars; one submission).

Submission:

Women's Health and Genetics/Laboratory Corporation of America, LabCorp
Classification: Uncertain significance. Last evaluated: 2025-10-31. Review status: criteria provided, single submitter. Criteria: LabCorp Variant Classification Summary - May 2015. Collection method: clinical testing. Allele origin: germline.
Comment: Variant summary: VWA3B c.899_900delAG (p.Glu300ValfsX13) results in a premature termination codon, predicted to cause a truncation of the encoded protein or absence of the protein due to nonsense mediated decay, however current evidence is not sufficient to establish loss of function as a mechanism for disease. The variant allele was found at a frequency of 8e-06 in 249580 control chromosomes. The available data on variant occurrences in the general population are insufficient to allow any conclusion about variant significance. To our knowledge, no occurrence of c.899_900delAG in individuals affected with VWA3B-related conditions and no experimental evidence demonstrating its impact on protein function have been reported. No submitters have cited clinical-significance assessments for this variant to ClinVar. Based on the evidence outlined above, the variant was classified as uncertain significance.

NM_144992.5(VWA3B):c.899_900del (p.Glu300fs)

Genes: VWA3B (von Willebrand factor A domain containing 3B; plus strand), LOC126806278 (P300/CBP strongly-dependent group 1 enhancer GRCh37_chr2:98750133-98751332; plus strand). Cytogenetic location: 2q11.2.
Variant type: Microsatellite.
Coding change: c.899_900del on transcript NM_144992.5 (MANE Select); coding-DNA positions 899 to 900, 2 bases deleted (AG; older notation c.899_900delAG).
Protein change: p.Glu300fs; shifts the reading frame from glutamic acid 300.
Molecular consequence: frameshift variant. On other transcripts: non-coding transcript variant (2).
Genome position (GRCh38, 1-based): chr2:98,133,850-98,133,851, AG deleted; deleting any 2 consecutive bases within chr2:98,133,848-98,133,851 gives the same sequence; the c. name uses the placement nearest the transcript's 3' end. VCF-style (leftmost placement, unchanged base first): chr2-98133847-CAG-C. GRCh37 (hg19) VCF-style: chr2-98750310-CAG-C.
Other names: c.899_900delAG (NM_144992.5); short protein forms E300fs.
Identifiers: ClinVar variation 4687676 (VCV004687676.1).